The following is an entry in ClinVar:

ClinVar aggregate classification (germline): Uncertain significance (1 of 4 stars; one submission).

gnomAD v4.1: 16 of 1,614,096 alleles (0.00099%); highest among the groups gnomAD compares: Non-Finnish European, 0.0014%; no homozygotes.

Submission:

Labcorp Genetics (formerly Invitae), Labcorp
Classification: Uncertain significance. Last evaluated: 2024-10-17. Review status: criteria provided, single submitter. Criteria: Invitae Variant Classification Sherloc (09022015). Collection method: clinical testing. Allele origin: germline.
Comment: This sequence change replaces asparagine, which is neutral and polar, with serine, which is neutral and polar, at codon 633 of the ELP1 protein (p.Asn633Ser). This variant is not present in population databases (gnomAD no frequency). This variant has not been reported in the literature in individuals affected with ELP1-related conditions. Invitae Evidence Modeling of protein sequence and biophysical properties (such as structural, functional, and spatial information, amino acid conservation, physicochemical variation, residue mobility, and thermodynamic stability) indicates that this missense variant is not expected to disrupt ELP1 protein function with a negative predictive value of 80%. In summary, the available evidence is currently insufficient to determine the role of this variant in disease. Therefore, it has been classified as a Variant of Uncertain Significance.

NM_003640.5(ELP1):c.1898A>G (p.Asn633Ser)

Gene: ELP1 (elongator acetyltransferase complex subunit 1; minus strand). Cytogenetic location: 9q31.3.
Variant type: single nucleotide variant.
Coding change: c.1898A>G on transcript NM_003640.5 (MANE Select); coding-DNA position 1898, A replaced by G.
Protein change: p.Asn633Ser; replaces asparagine 633 with serine.
Molecular consequence: missense variant.
Genome position (GRCh38, 1-based): chr9:108,901,638, T>C on the plus strand (A>G on the coding strand, the complement: ELP1 is on the minus strand). VCF-style: chr9-108901638-T-C. GRCh37 (hg19) VCF-style: chr9-111663918-T-C.
Other names: c.1556A>G, p.Asn519Ser (NM_001318360.2); c.851A>G, p.Asn284Ser (NM_001330749.2); short protein forms N284S, N633S, N519S.
Identifiers: ClinVar variation 3719736 (VCV003719736.1).